The following is an entry in ClinVar:

NM_017654.4(SAMD9):c.4678C>A (p.Gln1560Lys)

Gene: SAMD9 (sterile alpha motif domain containing 9; minus strand). Cytogenetic location: 7q21.2.
Variant type: single nucleotide variant.
Coding change: c.4678C>A on transcript NM_017654.4 (MANE Select); coding-DNA position 4678, C replaced by A.
Protein change: p.Gln1560Lys; replaces glutamine 1560 with lysine.
Molecular consequence: missense variant.
Genome position (GRCh38, 1-based): chr7:93,101,420, G>T on the plus strand (C>A on the coding strand, the complement: SAMD9 is on the minus strand). VCF-style: chr7-93101420-G-T. GRCh37 (hg19) VCF-style: chr7-92730733-G-T.
Other names: c.4678C>A, p.Gln1560Lys (NM_001193307.2); short protein forms Q1560K.
Identifiers: ClinVar variation 4863855 (VCV004863855.1).
Genomic context (GRCh38, chr7:93,101,420, plus strand): 5'-CTCCAATGGAAAATCCCAGGTAAAAAGACACCTTCTCTATGCTTCTGCCACTTCTAAGTT[G>T]ACCTAAAAAAGCGGGAGTGATGGGTATTGTGATTTTTTCATTGATTCCATATTCTATATA-3'
Protein context (NP_060124.2, residues 1550-1570): TIPITPAFLG[Gln1560Lys]LRSGRSIEKV

ClinVar aggregate classification (germline): Uncertain significance (1 of 4 stars; one submission).

Conditions:
Inborn genetic diseases. Identifiers: MedGen C0950123, MeSH D030342.

Submission:

Ambry Genetics
Classification: Uncertain significance for Inborn genetic diseases. Last evaluated: 2026-05-14. Review status: criteria provided, single submitter. Criteria: Ambry Variant Classification Scheme 2023. Collection method: clinical testing. Allele origin: germline.
Comment: The p.Q1560K variant (also known as c.4678C>A), located in coding exon 1 of the SAMD9 gene, results from a C to A substitution at nucleotide position 4678. The glutamine at codon 1560 is replaced by lysine, an amino acid with similar properties. This amino acid position is conserved. In addition, this alteration is predicted to be tolerated by in silico analysis. Based on the available evidence, the clinical significance of this variant remains unclear.